The following is an entry in ClinVar:

ClinVar aggregate classification (germline): Uncertain significance (1 of 4 stars; one submission).

Conditions:
Microcephaly-capillary malformation syndrome (MICCAP). Identifiers: Orphanet 294016, MedGen C3280296, MONDO:0013659, OMIM 614261.

Allele frequency attached by ClinVar (database versions not stated): gnomAD 0.00001; gnomAD exomes 0.00001; ExAC 0.00001.

Submission:

Neuberg Centre For Genomic Medicine, NCGM
Classification: Uncertain significance for Microcephaly-capillary malformation syndrome. Last evaluated: 2023-03-01. Review status: criteria provided, single submitter. Criteria: ACMG Guidelines, 2015. Collection method: clinical testing. Allele origin: germline. Inheritance: Autosomal recessive inheritance. Affected: yes.
Comment: The missense c.824C>G (p.Thr275Ser) variant in STAMBP gene has not been reported previously as a pathogenic variant nor as a benign variant, to our knowledge. The p.Thr275Ser variant has allele frequency 0.002% in gnomAD Exomes and is novel (not in any individuals) in 1000 Genomes. This variant has not been reported to the ClinVar database. The amino acid change p.Thr275Ser in STAMBP is predicted as conserved by GERP++ and PhyloP across 100 vertebrates. The amino acid Thr at position 275 is changed to a Ser changing protein sequence and it might alter its composition and physico-chemical properties. For these reasons, this variant has been classified as Variant of Uncertain Significance (VUS).

NM_213622.4(STAMBP):c.824C>G (p.Thr275Ser)

Gene: STAMBP (STAM binding protein; plus strand). Cytogenetic location: 2p13.1.
Variant type: single nucleotide variant.
Coding change: c.824C>G on transcript NM_213622.4 (MANE Select); coding-DNA position 824, C replaced by G.
Protein change: p.Thr275Ser; replaces threonine 275 with serine.
Molecular consequence: missense variant. On other transcripts: non-coding transcript variant (4).
Genome position (GRCh38, 1-based): chr2:73,849,444, C>G. VCF-style: chr2-73849444-C-G. GRCh37 (hg19) VCF-style: chr2-74076571-C-G.
Other names: c.824C>G, p.Thr275Ser (NM_001353967.2, NM_001353968.2, NM_001353969.2 and 3 more transcripts); c.419C>G, p.Thr140Ser (NM_001353971.2, NM_001353972.2, NM_001353973.2 and 3 more transcripts); short protein forms T140S, T275S.
Identifiers: ClinVar variation 2671751 (VCV002671751.1), dbSNP rs761658361, ClinGen allele CA1717626.